The following is an entry in ClinVar:

ClinVar aggregate classification (germline): Pathogenic (1 of 4 stars; one submission).

Conditions:
Galactosylceramide beta-galactosidase deficiency. Also called: Leukodystrophy, Globoid Cell; Krabbe Disease; GALACTOCEREBROSIDASE DEFICIENCY; GALC DEFICIENCY; GLOBOID CELL LEUKOENCEPHALOPATHY. Identifiers: Orphanet 487, MedGen C0023521, MONDO:0009499, OMIM 245200.

Submission:

Labcorp Genetics (formerly Invitae), Labcorp
Classification: Pathogenic for Galactosylceramide beta-galactosidase deficiency. Last evaluated: 2023-07-24. Review status: criteria provided, single submitter. Criteria: Invitae Variant Classification Sherloc (09022015). Collection method: clinical testing. Allele origin: germline.
Comment: For these reasons, this variant has been classified as Pathogenic. This variant has not been reported in the literature in individuals affected with GALC-related conditions. This variant is not present in population databases (gnomAD no frequency). This sequence change creates a premature translational stop signal (p.Ala38Glyfs*51) in the GALC gene. It is expected to result in an absent or disrupted protein product. Loss-of-function variants in GALC are known to be pathogenic (PMID: 7437911, 9272171, 16607461).

Literature cited by the submitters: PubMed 7437911; PubMed 9272171; PubMed 16607461.

NM_000153.4(GALC):c.112dup (p.Ala38fs)

Gene: GALC (galactosylceramidase; minus strand). Cytogenetic location: 14q31.3.
Variant type: Duplication.
Coding change: c.112dup on transcript NM_000153.4 (MANE Select); coding-DNA position 112, one base duplicated (G; older notation c.112dupG).
Protein change: p.Ala38fs; shifts the reading frame from alanine 38.
Molecular consequence: frameshift variant. On other transcripts: 5 prime UTR variant (3), non-coding transcript variant (1), intron variant (2).
Genome position (GRCh38, 1-based): chr14:87,993,053, C duplicated on the plus strand (G on the coding strand, the reverse complement: GALC is on the minus strand); the first of 2 consecutive C bases (chr14:87,993,053-87,993,054); duplicating either gives the same sequence. VCF-style (leftmost placement, unchanged base first): chr14-87993052-G-GC. GRCh37 (hg19) VCF-style: chr14-88459396-G-GC.
Other names: c.112dup, p.Ala38fs (NM_001201401.2); c.-159dup (NM_001424072.1); c.-325dup (NM_001424075.1); c.-556dup (NM_001424077.1); c.-473+330dup (NM_001424076.1); c.117+330dup (NM_001201402.2); short protein forms A38fs.
Identifiers: ClinVar variation 2746212 (VCV002746212.3), dbSNP rs2503548576, ClinGen allele CA2697554086.